The following is an entry in ClinVar:

ClinVar aggregate classification (germline): Pathogenic/Likely pathogenic. Review status: criteria provided, multiple submitters, no conflicts (2 of 4 stars). 4 submissions from 4 submitters: Pathogenic (3); Likely pathogenic (1). Last evaluated 2024-12-18.

Conditions:
Hypertrophic cardiomyopathy. Also called: HYPERTROPHIC MYOCARDIOPATHY. Identifiers: Orphanet 217569, MedGen C0007194, MeSH D002312, MONDO:0005045, HP:0001639.
MYBPC3-related disorder. Also called: MYBPC3-related condition; MYBPC3-related disease; MYBPC3-related disorders.
Cardiovascular phenotype. Identifiers: MedGen CN230736.

Submissions (4):

PreventionGenetics, part of Exact Sciences
Classification: Pathogenic for MYBPC3-related condition. Last evaluated: 2024-12-18. Review status: criteria provided, single submitter. Criteria: ACMG Guidelines, 2015. Collection method: clinical testing. Allele origin: germline.
Comment: The MYBPC3 c.373_374delGC variant is predicted to result in premature protein termination (p.Ala125*). This variant has been reported to be causative for hypertrophic cardiomyopathy (Nagyova et al. 2019. PubMed ID: 30685992). This variant has not been reported in a large population database (gnomAD), indicating this variant is rare. Nonsense variants in MYBPC3 are expected to be pathogenic. This variant is interpreted as pathogenic.

Ambry Genetics
Classification: Pathogenic for Cardiovascular phenotype. Last evaluated: 2024-11-05. Review status: criteria provided, single submitter. Criteria: Ambry Variant Classification Scheme 2023. Collection method: clinical testing. Allele origin: germline.
Comment: The c.373_374delGC pathogenic mutation (also known as p.A125*), located in coding exon 3 of the MYBPC3 gene, results from a deletion of two nucleotides at nucleotide positions 373 to 374. This changes the amino acid from an alanine to a stop codon within coding exon 3. This variant is considered to be rare based on population cohorts in the Genome Aggregation Database (gnomAD). This alteration is expected to result in loss of function by premature protein truncation or nonsense-mediated mRNA decay. As such, this alteration is interpreted as a disease-causing mutation.

Labcorp Genetics (formerly Invitae), Labcorp
Classification: Pathogenic for Hypertrophic cardiomyopathy. Last evaluated: 2024-05-29. Review status: criteria provided, single submitter. Criteria: Invitae Variant Classification Sherloc (09022015). Collection method: clinical testing. Allele origin: germline.
Comment: This sequence change creates a premature translational stop signal (p.Ala125*) in the MYBPC3 gene. It is expected to result in an absent or disrupted protein product. Loss-of-function variants in MYBPC3 are known to be pathogenic (PMID: 19574547). This variant is not present in population databases (gnomAD no frequency). This premature translational stop signal has been observed in individual(s) with hypertrophic cardiomyopathy (PMID: 30685992). ClinVar contains an entry for this variant (Variation ID: 372418). For these reasons, this variant has been classified as Pathogenic.

GeneDx
Classification: Likely pathogenic. Last evaluated: 2017-01-25. Review status: criteria provided, single submitter. Criteria: GeneDx Variant Classification (06012015). Collection method: clinical testing. Allele origin: germline. Affected: yes.
Comment: The c.373_374delGC (A125X) likely pathogenic variant in the MYBPC3 gene has not been reportedas a pathogenic variant or as a benign variant to our knowledge. c.373_374delGC (A125X) is predictedto cause loss of normal protein function either by protein truncation or nonsense-mediated mRNAdecay. Other variants resulting in early termination in the MYBPC3 gene have been reported in theHuman Gene Mutation Database in association with cardiomyopathy (Stenson et al., 2014).Furthermore, the c.373_374delGC (A125X) variant was not observed in approximately 5,900individuals of European and African American ancestry in the NHLBI Exome Sequencing Project,indicating it is not a common benign variant in these populations.In summary, c.373_374delGC (A125X) in the MYBPC3 gene is expected to be pathogenic, as loss offunction variants in this gene are strongly associated with this phenotype.

Literature cited by the submitters: PubMed 19574547 (cited by Labcorp Genetics (formerly Invitae), Labcorp); PubMed 30685992 (cited by Labcorp Genetics (formerly Invitae), Labcorp).

NM_000256.3(MYBPC3):c.373_374del (p.Ala124_Ala125insTer)

Gene: MYBPC3 (myosin binding protein C3; minus strand). Cytogenetic location: 11p11.2.
Variant type: Deletion.
Coding change: c.373_374del on transcript NM_000256.3 (MANE Select); coding-DNA positions 373 to 374, 2 bases deleted (GC; older notation c.373_374delGC).
Protein change: p.Ala124_Ala125insTer.
Molecular consequence: nonsense.
Genome position (GRCh38, 1-based): chr11:47,350,534-47,350,535, GC deleted on the plus strand (GC on the coding strand, the reverse complement: MYBPC3 is on the minus strand); deleting any 2 consecutive bases within chr11:47,350,534-47,350,536 gives the same sequence; the c. name uses the placement nearest the transcript's 3' end. VCF-style (leftmost placement, unchanged base first): chr11-47350533-AGC-A. GRCh37 (hg19) VCF-style: chr11-47372084-AGC-A.
Other names: c.373_374del, p.Ala124_Ala125insTer (LRG_386t1); c.373_374delGC (NM_000256.3).
Identifiers: ClinVar variation 372418 (VCV000372418.13), dbSNP rs1057517767, ClinGen allele CA16042811.
Genomic context (GRCh38, chr11:47,350,533, plus strand): 5'-CCTGCCCCTCCCTGCCCAGCCCCTCTCACCTTTGGGACTTGGGGCACTTTCTCCCAGCTC[AGC>A]GGCTGGGGCCGGGGCTTCTCCAGGGGCTCCAGTGGCCTCAGCAGGGGCAGGGGCAGGGGC-3'